The following is an entry in ClinVar:

NM_001134363.3(RBM20):c.1669-3T>G

Gene: RBM20 (RNA binding motif protein 20; plus strand). Cytogenetic location: 10q25.2.
Variant type: single nucleotide variant.
Coding change: c.1669-3T>G on transcript NM_001134363.3 (MANE Select); 3 bases into the intron before coding-DNA position 1669, T replaced by G.
Molecular consequence: intron variant.
Genome position (GRCh38, 1-based): chr10:110,799,784, T>G. VCF-style: chr10-110799784-T-G. GRCh37 (hg19) VCF-style: chr10-112559542-T-G.
Identifiers: ClinVar variation 2920051 (VCV002920051.3), dbSNP rs1844597896, ClinGen allele CA2574667507.

ClinVar aggregate classification (germline): Uncertain significance (1 of 4 stars; one submission).

Conditions:
Dilated cardiomyopathy 1DD (CMD1DD). Identifiers: Orphanet 154, MedGen C2750995, MONDO:0013168, OMIM 613172.

Submission:

Labcorp Genetics (formerly Invitae), Labcorp
Classification: Uncertain significance for Dilated cardiomyopathy 1DD. Last evaluated: 2022-12-26. Review status: criteria provided, single submitter. Criteria: Invitae Variant Classification Sherloc (09022015). Collection method: clinical testing. Allele origin: germline.
Comment: In summary, the available evidence is currently insufficient to determine the role of this variant in disease. Therefore, it has been classified as a Variant of Uncertain Significance. Variants that disrupt the consensus splice site are a relatively common cause of aberrant splicing (PMID: 17576681, 9536098). Algorithms developed to predict the effect of sequence changes on RNA splicing suggest that this variant may create or strengthen a splice site. This variant has not been reported in the literature in individuals affected with RBM20-related conditions. This variant is not present in population databases (gnomAD no frequency). This sequence change falls in intron 6 of the RBM20 gene. It does not directly change the encoded amino acid sequence of the RBM20 protein. It affects a nucleotide within the consensus splice site.

Literature cited by the submitters: PubMed 17576681; PubMed 9536098.